The following is an entry in ClinVar:

NM_002661.5(PLCG2):c.480C>T (p.Ser160=)

Gene: PLCG2 (phospholipase C gamma 2; plus strand). Cytogenetic location: 16q23.3.
Variant type: single nucleotide variant.
Coding change: c.480C>T on transcript NM_002661.5 (MANE Select); coding-DNA position 480, C replaced by T.
Protein change: p.Ser160=; no amino-acid change (serine 160 retained).
Molecular consequence: synonymous variant.
Genome position (GRCh38, 1-based): chr16:81,869,214, C>T. VCF-style: chr16-81869214-C-T. GRCh37 (hg19) VCF-style: chr16-81902819-C-T.
Other names: c.480C>T, p.Ser160= (NM_001425749.1, NM_001425750.1, NM_001425751.1).
Identifiers: ClinVar variation 3682492 (VCV003682492.3).
Genomic context (GRCh38, chr16:81,869,214, plus strand): 5'-CTAAATCCTGTGCTGTTGAAAACCCTCAAGGTGACAGAACTGGGTCTCCCTCTTTTGCAG[C>T]ATCAGTCTCCGAGAGTTGAAGACCATCTTGCCCCTGATCAACTTTAAAGTGAGCAGTGCC-3'
Protein context (NP_002652.2, residues 150-170): IYSVDQTRRN[Ser160=]ISLRELKTIL

ClinVar aggregate classification (germline): Conflicting classifications of pathogenicity. Review status: criteria provided, conflicting classifications (1 of 4 stars). 2 submissions from 2 submitters: Uncertain significance (1); Likely benign (1). Last evaluated 2025-12-15.

Conditions:
Familial cold autoinflammatory syndrome 3 (FCAS3). Also called: FAMILIAL ATYPICAL COLD URTICARIA; ANTIBODY DEFICIENCY AND IMMUNE DYSREGULATION, PLCG2-ASSOCIATED. Identifiers: Orphanet 300359, MedGen C3280914, MONDO:0013766, OMIM 614468.
Inborn genetic diseases. Identifiers: MedGen C0950123, MeSH D030342.

gnomAD v4.1: 4 of 1,612,680 alleles (0.00025%); highest among the groups gnomAD compares: Non-Finnish European, 0.00034%; no homozygotes.

Submissions (2):

Ambry Genetics
Classification: Likely benign for Inborn genetic diseases. Last evaluated: 2025-12-15. Review status: criteria provided, single submitter. Criteria: Ambry Variant Classification Scheme 2023. Collection method: clinical testing. Allele origin: germline.

Labcorp Genetics (formerly Invitae), Labcorp
Classification: Uncertain significance for Familial cold autoinflammatory syndrome 3. Last evaluated: 2024-07-05. Review status: criteria provided, single submitter. Criteria: Invitae Variant Classification Sherloc (09022015). Collection method: clinical testing. Allele origin: germline.
Comment: This sequence change affects codon 160 of the PLCG2 mRNA. It is a 'silent' change, meaning that it does not change the encoded amino acid sequence of the PLCG2 protein. It affects a nucleotide within the consensus splice site. The frequency data for this variant in the population databases is considered unreliable, as metrics indicate poor data quality at this position in the gnomAD database. This variant has not been reported in the literature in individuals affected with PLCG2-related conditions. Algorithms developed to predict the effect of sequence changes on RNA splicing suggest that this variant is not likely to affect RNA splicing. In summary, the available evidence is currently insufficient to determine the role of this variant in disease. Therefore, it has been classified as a Variant of Uncertain Significance.